The following is an entry in ClinVar:

ClinVar aggregate classification (germline): Conflicting classifications of pathogenicity. Review status: criteria provided, conflicting classifications (1 of 4 stars). 2 submissions from 2 submitters: Uncertain significance (1); Likely benign (1). Last evaluated 2026-04-23.

Conditions:
Cardiovascular phenotype. Identifiers: MedGen CN230736.
Alstrom syndrome (ALMS). Identifiers: Orphanet 64, MedGen C0268425, MONDO:0008763, OMIM 203800.

Allele frequency attached by ClinVar (database versions not stated): gnomAD exomes 0.00001 and 0.00002; gnomAD 0.00001 and 0.00002; TOPMed below 0.00001; ExAC 0.00001.
gnomAD v4.1: 28 of 1,613,972 alleles (0.0017%); highest among the groups gnomAD compares: African/African-American, 0.008%; no homozygotes.

Submissions (2):

Ambry Genetics
Classification: Likely benign for Cardiovascular phenotype. Last evaluated: 2026-04-23. Review status: criteria provided, single submitter. Criteria: Ambry Variant Classification Scheme 2023. Collection method: clinical testing. Allele origin: germline.

Labcorp Genetics (formerly Invitae), Labcorp
Classification: Uncertain significance for Alstrom syndrome. Last evaluated: 2022-08-03. Review status: criteria provided, single submitter. Criteria: Invitae Variant Classification Sherloc (09022015). Collection method: clinical testing. Allele origin: germline.
Comment: This sequence change replaces alanine, which is neutral and non-polar, with valine, which is neutral and non-polar, at codon 860 of the ALMS1 protein (p.Ala860Val). This variant is present in population databases (rs749219852, gnomAD 0.003%). This variant has not been reported in the literature in individuals affected with ALMS1-related conditions. ClinVar contains an entry for this variant (Variation ID: 1361554). Algorithms developed to predict the effect of missense changes on protein structure and function output the following: SIFT: "Not Available"; PolyPhen-2: "Not Available"; Align-GVGD: "Not Available". The valine amino acid residue is found in multiple mammalian species, which suggests that this missense change does not adversely affect protein function. In summary, the available evidence is currently insufficient to determine the role of this variant in disease. Therefore, it has been classified as a Variant of Uncertain Significance.

NM_001378454.1(ALMS1):c.2576C>T (p.Ala859Val)

Gene: ALMS1 (ALMS1 centrosome and basal body associated protein; plus strand). Cytogenetic location: 2p13.1.
Variant type: single nucleotide variant.
Coding change: c.2576C>T on transcript NM_001378454.1 (MANE Select); coding-DNA position 2576, C replaced by T.
Protein change: p.Ala859Val; replaces alanine 859 with valine.
Molecular consequence: missense variant.
Genome position (GRCh38, 1-based): chr2:73,449,103, C>T. VCF-style: chr2-73449103-C-T. GRCh37 (hg19) VCF-style: chr2-73676230-C-T.
Other names: c.2579C>T, p.Ala860Val (NM_015120.4); short protein forms A859V, A860V.
Identifiers: ClinVar variation 1361554 (VCV001361554.4), dbSNP rs749219852, ClinGen allele CA1713380.